The following is an entry in ClinVar:

ClinVar aggregate classification (germline): Uncertain significance. Review status: criteria provided, multiple submitters, no conflicts (2 of 4 stars). 2 submissions from 2 submitters: Uncertain significance (2). Last evaluated 2026-01-18.

Conditions:
Multiple endocrine neoplasia type 4. Also called: MULTIPLE ENDOCRINE NEOPLASIA, TYPE IV. Identifiers: Orphanet 276152, MedGen C1970712, MONDO:0012552, OMIM 610755.
Hereditary cancer-predisposing syndrome. Also called: Neoplastic Syndromes, Hereditary; Hereditary Cancer Syndrome; Tumor predisposition; Hereditary neoplastic syndrome. Identifiers: Orphanet 140162, MedGen C0027672, MeSH D009386, MONDO:0015356.

Allele frequency attached by ClinVar (database versions not stated): gnomAD exomes below 0.00001.

Submissions (2):

Labcorp Genetics (formerly Invitae), Labcorp
Classification: Uncertain significance for Multiple endocrine neoplasia type 4. Last evaluated: 2026-01-18. Review status: criteria provided, single submitter. Criteria: Invitae Variant Classification Sherloc (09022015). Collection method: clinical testing. Allele origin: germline.
Comment: This sequence change replaces valine, which is neutral and non-polar, with leucine, which is neutral and non-polar, at codon 6 of the CDKN1B protein (p.Val6Leu). This variant is not present in population databases (gnomAD no frequency). This variant has not been reported in the literature in individuals affected with CDKN1B-related conditions. ClinVar contains an entry for this variant (Variation ID: 1467433). An algorithm developed to predict the effect of missense changes on protein structure and function (PolyPhen-2) suggests that this variant is likely to be tolerated. In summary, the available evidence is currently insufficient to determine the role of this variant in disease. Therefore, it has been classified as a Variant of Uncertain Significance.

Ambry Genetics
Classification: Uncertain significance for Hereditary cancer-predisposing syndrome. Last evaluated: 2025-07-28. Review status: criteria provided, single submitter. Criteria: Ambry Variant Classification Scheme 2023. Collection method: clinical testing. Allele origin: germline.
Comment: The p.V6L variant (also known as c.16G>C), located in coding exon 1 of the CDKN1B gene, results from a G to C substitution at nucleotide position 16. The valine at codon 6 is replaced by leucine, an amino acid with highly similar properties. This amino acid position is conserved. In addition, this alteration is predicted to be tolerated by in silico analysis. Based on the available evidence, the clinical significance of this variant remains unclear.

NM_004064.5(CDKN1B):c.16G>C (p.Val6Leu)

Gene: CDKN1B (cyclin dependent kinase inhibitor 1B; plus strand). Cytogenetic location: 12p13.1.
Variant type: single nucleotide variant.
Coding change: c.16G>C on transcript NM_004064.5 (MANE Select); coding-DNA position 16, G replaced by C.
Protein change: p.Val6Leu; replaces valine 6 with leucine.
Molecular consequence: missense variant.
Genome position (GRCh38, 1-based): chr12:12,717,855, G>C. VCF-style: chr12-12717855-G-C. GRCh37 (hg19) VCF-style: chr12-12870789-G-C.
Other names: c.16G>C (NM_004064.3); short protein forms V6L.
Identifiers: ClinVar variation 1467433 (VCV001467433.7), dbSNP rs2136355356, ClinGen allele CA383967925.